The following is an entry in ClinVar:

ClinVar aggregate classification (germline): Uncertain significance (1 of 4 stars; one submission).

Conditions:
Cardiovascular phenotype. Identifiers: MedGen CN230736.

gnomAD v4.1: 5 of 1,611,928 alleles (0.00031%); highest among the groups gnomAD compares: Middle Eastern, 0.016%; no homozygotes.

Submission:

Ambry Genetics
Classification: Uncertain significance for Cardiovascular phenotype. Last evaluated: 2026-09-12. Review status: criteria provided, single submitter. Criteria: Ambry Variant Classification Scheme 2023. Collection method: clinical testing. Allele origin: germline.
Comment: The p.R2379C variant (also known as c.7135C>T), located in coding exon 19 of the TNXB gene, results from a C to T substitution at nucleotide position 7135. The arginine at codon 2379 is replaced by cysteine, an amino acid with highly dissimilar properties. This amino acid position is conserved. In addition, this alteration is predicted to be tolerated by in silico analysis. Based on the available evidence, the clinical significance of this variant remains unclear.

NM_001365276.2(TNXB):c.7135C>T (p.Arg2379Cys)

Gene: TNXB (tenascin XB; minus strand). Cytogenetic location: 6p21.33.
Variant type: single nucleotide variant.
Coding change: c.7135C>T on transcript NM_001365276.2 (MANE Select); coding-DNA position 7135, C replaced by T.
Protein change: p.Arg2379Cys; replaces arginine 2379 with cysteine.
Molecular consequence: missense variant.
Genome position (GRCh38, 1-based): chr6:32,062,190, G>A on the plus strand (C>T on the coding strand, the complement: TNXB is on the minus strand). VCF-style: chr6-32062190-G-A. GRCh37 (hg19) VCF-style: chr6-32029967-G-A.
Other names: c.7876C>T, p.Arg2626Cys (NM_001428335.1); c.7135C>T, p.Arg2379Cys (NM_019105.8); short protein forms R2379C, R2626C.
Identifiers: ClinVar variation 5031052 (VCV005031052.1).
Genomic context (GRCh38, chr6:32,062,190, plus strand): 5'-ACCCTGGGGCTCCCATCGTCCACTCACCTGTCACCCCGATGGCAGACACGGGGCCCACAC[G>A]CTGGCCACCGTGGAAGCCGTACAGGTTCATCTTGTACTTGTTGTCTGGCTCCAGGCCGGA-3'
Protein context (NP_001352205.1, residues 2369-2389): MNLYGFHGGQ[Arg2379Cys]VGPVSAIGVT